The following is an entry in ClinVar:

NM_006393.3(NEBL):c.1567T>C (p.Tyr523His)

Gene: NEBL (nebulette; minus strand). Cytogenetic location: 10p12.31.
Variant type: single nucleotide variant.
Coding change: c.1567T>C on transcript NM_006393.3 (MANE Select); coding-DNA position 1567, T replaced by C.
Protein change: p.Tyr523His; replaces tyrosine 523 with histidine.
Molecular consequence: missense variant. On other transcripts: intron variant (9).
Genome position (GRCh38, 1-based): chr10:20,831,300, A>G on the plus strand (T>C on the coding strand, the complement: NEBL is on the minus strand). VCF-style: chr10-20831300-A-G. GRCh37 (hg19) VCF-style: chr10-21120229-A-G.
Other names: c.250-18360T>C (NM_001377326.1, NM_001377327.1, NM_001377328.1); c.358-18360T>C (NM_213569.2, NM_001173484.2, NM_001377322.1); c.301-18360T>C (NM_001377324.1); c.292-18360T>C (NM_001377325.1); c.310-18360T>C (NM_001377323.1); short protein forms Y523H.
Identifiers: ClinVar variation 3878622 (VCV003878622.1).

ClinVar aggregate classification (germline): Uncertain significance (1 of 4 stars; one submission).

Submission:

Ambry Genetics
Classification: Uncertain significance. Last evaluated: 2025-02-09. Review status: criteria provided, single submitter. Criteria: Ambry Variant Classification Scheme 2023. Collection method: clinical testing. Allele origin: germline.
Comment: The p.Y523H variant (also known as c.1567T>C), located in coding exon 16 of the NEBL gene, results from a T to C substitution at nucleotide position 1567. The tyrosine at codon 523 is replaced by histidine, an amino acid with similar properties. This amino acid position is conserved. In addition, this alteration is predicted to be deleterious by in silico analysis. Based on the available evidence, the clinical significance of this variant remains unclear.